The following is an entry in ClinVar:

NM_004260.4(RECQL4):c.1078C>G (p.Gln360Glu)

Gene: RECQL4 (RecQ like helicase 4; minus strand). Cytogenetic location: 8q24.3.
Variant type: single nucleotide variant.
Coding change: c.1078C>G on transcript NM_004260.4 (MANE Select); coding-DNA position 1078, C replaced by G.
Protein change: p.Gln360Glu; replaces glutamine 360 with glutamic acid.
Molecular consequence: missense variant.
Genome position (GRCh38, 1-based): chr8:144,516,041, G>C on the plus strand (C>G on the coding strand, the complement: RECQL4 is on the minus strand). VCF-style: chr8-144516041-G-C. GRCh37 (hg19) VCF-style: chr8-145741425-G-C.
Other names: short protein forms Q360E.
Identifiers: ClinVar variation 459297 (VCV000459297.12), dbSNP rs375236875, ClinGen allele CA4949079.

ClinVar aggregate classification (germline): Uncertain significance. Review status: criteria provided, multiple submitters, no conflicts (2 of 4 stars). 4 submissions from 4 submitters: Uncertain significance (4). Last evaluated 2025-11-17.

Conditions:
Baller-Gerold syndrome (BGS). Also called: CRANIOSYNOSTOSIS WITH RADIAL DEFECTS. Identifiers: Orphanet 1225, MedGen C0265308, MONDO:0009039, OMIM 218600.

Allele frequency attached by ClinVar (database versions not stated): TOPMed 0.00001.
gnomAD v4.1: 2 of 1,612,268 alleles (0.00012%); highest among the groups gnomAD compares: Admixed American, 0.0033%; no homozygotes.

Submissions (4):

Labcorp Genetics (formerly Invitae), Labcorp
Classification: Uncertain significance for Baller-Gerold syndrome. Last evaluated: 2025-11-17. Review status: criteria provided, single submitter. Criteria: Invitae Variant Classification Sherloc (09022015). Collection method: clinical testing. Allele origin: germline.
Comment: This sequence change replaces glutamine, which is neutral and polar, with glutamic acid, which is acidic and polar, at codon 360 of the RECQL4 protein (p.Gln360Glu). This variant is present in population databases (rs375236875, gnomAD 0.006%). This variant has not been reported in the literature in individuals affected with RECQL4-related conditions. ClinVar contains an entry for this variant (Variation ID: 459297). Invitae Evidence Modeling of protein sequence and biophysical properties (such as structural, functional, and spatial information, amino acid conservation, physicochemical variation, residue mobility, and thermodynamic stability) has been performed for this missense variant. However, the output from this modeling did not meet the statistical confidence thresholds required to predict the impact of this variant on RECQL4 protein function. In summary, the available evidence is currently insufficient to determine the role of this variant in disease. Therefore, it has been classified as a Variant of Uncertain Significance.

St. Jude Molecular Pathology, St. Jude Children's Research Hospital
Classification: Uncertain significance for Baller-Gerold syndrome. Last evaluated: 2024-01-13. Review status: criteria provided, single submitter. Criteria: St. Jude Assertion Criteria 2020. Collection method: clinical testing. Allele origin: germline.
Comment: The RECQL4 c.1078C>G (p.Gln360Glu) missense change has a maximum subpopulation frequency of 0.005% in gnomAD v2.1.1. In silico tools predict a benign effect on protein function, but this prediction has not been confirmed by functional studies. This variant has not been reported in individuals with RECQL4-associated conditions. In summary, the evidence currently available is insufficient to determine the clinical significance of this variant. It has therefore been classified as of uncertain significance.

Blueprint Genetics
Classification: Uncertain significance. Last evaluated: 2022-07-27. Review status: criteria provided, single submitter. Criteria: ACMG Guidelines, 2015. Collection method: clinical testing. Allele origin: germline.

GeneDx
Classification: Uncertain significance. Last evaluated: 2020-01-28. Review status: criteria provided, single submitter. Criteria: GeneDx Variant Classification Process June 2021. Collection method: clinical testing. Allele origin: germline. Affected: yes.
Comment: In silico analysis, which includes protein predictors and evolutionary conservation, supports that this variant does not alter protein structure/function; Has not been previously published as pathogenic or benign to our knowledge